The following is an entry in ClinVar:

NM_007194.4(CHEK2):c.1094A>T (p.Lys365Met)

Gene: CHEK2 (checkpoint kinase 2; minus strand). Cytogenetic location: 22q12.1.
Variant type: single nucleotide variant.
Coding change: c.1094A>T on transcript NM_007194.4 (MANE Select); coding-DNA position 1094, A replaced by T.
Protein change: p.Lys365Met; replaces lysine 365 with methionine.
Molecular consequence: missense variant. On other transcripts: intron variant (3).
Genome position (GRCh38, 1-based): chr22:28,696,902, T>A on the plus strand (A>T on the coding strand, the complement: CHEK2 is on the minus strand). VCF-style: chr22-28696902-T-A. GRCh37 (hg19) VCF-style: chr22-29092890-T-A.
Other names: c.1223A>T, p.Lys408Met (NM_001005735.3); c.431A>T, p.Lys144Met (NM_001257387.3, NM_001437942.1); c.893A>T, p.Lys298Met (NM_001349956.3); c.1187A>T, p.Lys396Met (NM_001438293.1); c.1009-1029A>T (NM_145862.3); c.1102-1029A>T (NM_001438295.1); c.1138-1029A>T (NM_001438294.1); short protein forms K298M, K144M, K365M, K408M, K396M.
Identifiers: ClinVar variation 2452086 (VCV002452086.4), dbSNP rs1555914237, ClinGen allele CA411097420.
Genomic context (GRCh38, chr22:28,696,902, plus strand): 5'-TAAAAGTTTCTGAACAAGAATCTACAGGAATAGCCACATACAGAATGCCAATTTCTTACC[T>A]TTATAAGACAGTCCTCTTCTTGAGATGACAGTAAAACATTCTCTGGCTTTAAGTCACGGT-3'
Protein context (NP_009125.1, residues 355-375): LSSQEEDCLI[Lys365Met]ITDFGHSKIL

ClinVar aggregate classification (germline): Uncertain significance. Review status: criteria provided, multiple submitters, no conflicts (2 of 4 stars). 2 submissions from 2 submitters: Uncertain significance (2). Last evaluated 2024-08-22.

Conditions:
Familial cancer of breast. Also called: BREAST CANCER, FAMILIAL; Hereditary breast cancer; hereditary breast carcinoma. Identifiers: Orphanet 227535, MedGen C0346153, MONDO:0016419, OMIM 114480. Disease mechanism: loss of function.
Hereditary cancer-predisposing syndrome. Also called: Neoplastic Syndromes, Hereditary; Tumor predisposition; Hereditary neoplastic syndrome; Hereditary Cancer Syndrome. Identifiers: Orphanet 140162, MedGen C0027672, MeSH D009386, MONDO:0015356.

Submissions (2):

Labcorp Genetics (formerly Invitae), Labcorp
Classification: Uncertain significance for Familial cancer of breast. Last evaluated: 2024-08-22. Review status: criteria provided, single submitter. Criteria: Invitae Variant Classification Sherloc (09022015). Collection method: clinical testing. Allele origin: germline.
Comment: This sequence change replaces lysine, which is basic and polar, with methionine, which is neutral and non-polar, at codon 365 of the CHEK2 protein (p.Lys365Met). This variant is not present in population databases (gnomAD no frequency). This variant has not been reported in the literature in individuals affected with CHEK2-related conditions. ClinVar contains an entry for this variant (Variation ID: 2452086). An algorithm developed to predict the effect of missense changes on protein structure and function (PolyPhen-2) suggests that this variant is likely to be disruptive. Algorithms developed to predict the effect of sequence changes on RNA splicing suggest that this variant may disrupt the consensus splice site. In summary, the available evidence is currently insufficient to determine the role of this variant in disease. Therefore, it has been classified as a Variant of Uncertain Significance.

Ambry Genetics
Classification: Uncertain significance for Hereditary cancer-predisposing syndrome. Last evaluated: 2023-02-15. Review status: criteria provided, single submitter. Criteria: Ambry Variant Classification Scheme 2023. Collection method: clinical testing. Allele origin: germline.
Comment: The p.K365M variant (also known as c.1094A>T), located in coding exon 9 of the CHEK2 gene, results from an A to T substitution at nucleotide position 1094. The lysine at codon 365 is replaced by methionine, an amino acid with similar properties. This amino acid position is conserved. In addition, this alteration is predicted to be deleterious by in silico analysis. Since supporting evidence is limited at this time, the clinical significance of this alteration remains unclear.